The following is an entry in ClinVar:

ClinVar aggregate classification (germline): Uncertain significance (1 of 4 stars; one submission).

Conditions:
Hereditary cancer-predisposing syndrome. Also called: Neoplastic Syndromes, Hereditary; Tumor predisposition; Hereditary Cancer Syndrome; Hereditary neoplastic syndrome. Identifiers: Orphanet 140162, MedGen C0027672, MeSH D009386, MONDO:0015356.

Submission:

Ambry Genetics
Classification: Uncertain significance for Hereditary cancer-predisposing syndrome. Last evaluated: 2025-07-18. Review status: criteria provided, single submitter. Criteria: Ambry Variant Classification Scheme 2023. Collection method: clinical testing. Allele origin: germline.
Comment: The p.A377G variant (also known as c.1130C>G), located in coding exon 9 of the SDHA gene, results from a C to G substitution at nucleotide position 1130. The alanine at codon 377 is replaced by glycine, an amino acid with similar properties. This amino acid position is conserved. In addition, the in silico prediction for this alteration is inconclusive. Based on the available evidence, the clinical significance of this variant remains unclear.

NM_004168.4(SDHA):c.1130C>G (p.Ala377Gly)

Gene: SDHA (succinate dehydrogenase complex flavoprotein subunit A; plus strand). Cytogenetic location: 5p15.33.
Variant type: single nucleotide variant.
Coding change: c.1130C>G on transcript NM_004168.4 (MANE Select); coding-DNA position 1130, C replaced by G.
Protein change: p.Ala377Gly; replaces alanine 377 with glycine.
Molecular consequence: missense variant.
Genome position (GRCh38, 1-based): chr5:235,209, C>G. VCF-style: chr5-235209-C-G. GRCh37 (hg19) VCF-style: chr5-235324-C-G.
Other names: c.986C>G, p.Ala329Gly (NM_001294332.2); c.1130C>G, p.Ala377Gly (NM_001330758.2); short protein forms A377G, A329G.
Identifiers: ClinVar variation 4161191 (VCV004161191.1).